The following is an entry in ClinVar:

NM_018417.6(ADCY10):c.2235_2237del (p.Glu745_His746delinsAsp)

Gene: ADCY10 (adenylate cyclase 10; minus strand). Cytogenetic location: 1q24.2.
Variant type: Deletion.
Coding change: c.2235_2237del on transcript NM_018417.6 (MANE Select); coding-DNA positions 2235 to 2237, 3 bases deleted (ACA; older notation c.2235_2237delACA).
Protein change: p.Glu745_His746delinsAsp.
Molecular consequence: inframe indel.
Genome position (GRCh38, 1-based): chr1:167,854,424-167,854,426, TGT deleted on the plus strand (ACA on the coding strand, the reverse complement: ADCY10 is on the minus strand); deleting any 3 consecutive bases within chr1:167,854,424-167,854,427 gives the same sequence; the c. name uses the placement nearest the transcript's 3' end. VCF-style (leftmost placement, unchanged base first): chr1-167854423-ATGT-A. GRCh37 (hg19) VCF-style: chr1-167823661-ATGT-A.
Other names: p.Glu745_His746delinsAsp; c.1776_1778del, p.Glu592_His593delinsAsp (NM_001167749.3); c.1959_1961del, p.Glu653_His654delinsAsp (NM_001297772.2).
Identifiers: ClinVar variation 3380167 (VCV003380167.1).

ClinVar aggregate classification (germline): Uncertain significance (1 of 4 stars; one submission).

Submission:

Mayo Clinic Laboratories, Mayo Clinic
Classification: Uncertain significance. Last evaluated: 2024-03-15. Review status: criteria provided, single submitter. Criteria: ACMG Guidelines, 2015. Collection method: clinical testing. Allele origin: germline. Observed: 1 variant allele.
Comment: PM4